The following is an entry in ClinVar:

NM_173354.5(SIK1):c.1231A>G (p.Ser411Gly)

Gene: SIK1 (salt inducible kinase 1; minus strand). Cytogenetic location: 21q22.3.
Variant type: single nucleotide variant.
Coding change: c.1231A>G on transcript NM_173354.5 (MANE Select); coding-DNA position 1231, A replaced by G.
Protein change: p.Ser411Gly; replaces serine 411 with glycine.
Molecular consequence: missense variant.
Genome position (GRCh38, 1-based): chr21:43,419,367, T>C on the plus strand (A>G on the coding strand, the complement: SIK1 is on the minus strand). VCF-style: chr21-43419367-T-C. GRCh37 (hg19) VCF-style: chr21-44839247-T-C.
Other names: short protein forms S411G.
Identifiers: ClinVar variation 1007230 (VCV001007230.9), dbSNP rs2081047181, ClinGen allele CA410608451.
Genomic context (GRCh38, chr21:43,419,367, plus strand): 5'-GGCTGGGCTGAGGCGAGCCCTCTGCACACCCGCTGTGGGCACTCACCCACTGCAGCGAGC[T>C]CTGGAGCTCACAGTCCATCTCGGCCTGGAGGACGGACTGCACCAAGGTCTGCGGCTGCGG-3'
Protein context (NP_775490.2, residues 401-421): LQAEMDCELQ[Ser411Gly]SLQWPLFFPV

ClinVar aggregate classification (germline): Uncertain significance (1 of 4 stars; one submission).

Conditions:
Developmental and epileptic encephalopathy, 30 (DEE30). Also called: Epileptic encephalopathy, early infantile, 30. Identifiers: MedGen C4225360, MONDO:0014595, OMIM 616341.

Submission:

Labcorp Genetics (formerly Invitae), Labcorp
Classification: Uncertain significance for Developmental and epileptic encephalopathy, 30. Last evaluated: 2020-10-23. Review status: criteria provided, single submitter. Criteria: Invitae Variant Classification Sherloc (09022015). Collection method: clinical testing. Allele origin: germline.
Comment: This sequence change replaces serine with glycine at codon 411 of the SIK1 protein (p.Ser411Gly). The serine residue is highly conserved and there is a small physicochemical difference between serine and glycine. This variant is not present in population databases (ExAC no frequency). In summary, the available evidence is currently insufficient to determine the role of this variant in disease. Therefore, it has been classified as a Variant of Uncertain Significance. This variant disrupts the p.Ser411 amino acid residue in SIK1. Other variant(s) that disrupt this residue have been observed in individuals with SIK1-related conditions (PMID: 25839329), which suggests that this may be a clinically significant amino acid residue. Advanced modeling of protein sequence and biophysical properties (such as structural, functional, and spatial information, amino acid conservation, physicochemical variation, residue mobility, and thermodynamic stability) performed at Invitae indicates that this missense variant is not expected to disrupt SIK1 protein function. This variant has been observed in individual(s) with clinical features of early infantile epileptic encephalopathy (Invitae).

Literature cited by the submitters: PubMed 25839329.